The following is an entry in ClinVar:

NM_002439.5(MSH3):c.2422C>G (p.Leu808Val)

Gene: MSH3 (mutS homolog 3; plus strand). Cytogenetic location: 5q14.1.
Variant type: single nucleotide variant.
Coding change: c.2422C>G on transcript NM_002439.5 (MANE Select); coding-DNA position 2422, C replaced by G.
Protein change: p.Leu808Val; replaces leucine 808 with valine.
Molecular consequence: missense variant.
Genome position (GRCh38, 1-based): chr5:80,778,823, C>G. VCF-style: chr5-80778823-C-G. GRCh37 (hg19) VCF-style: chr5-80074642-C-G.
Other names: short protein forms L808V.
Identifiers: ClinVar variation 2101134 (VCV002101134.4), dbSNP rs1744356314, ClinGen allele CA360281916.

ClinVar aggregate classification (germline): Uncertain significance (1 of 4 stars; one submission).

Submission:

Labcorp Genetics (formerly Invitae), Labcorp
Classification: Uncertain significance. Last evaluated: 2023-09-27. Review status: criteria provided, single submitter. Criteria: Invitae Variant Classification Sherloc (09022015). Collection method: clinical testing. Allele origin: germline.
Comment: In summary, the available evidence is currently insufficient to determine the role of this variant in disease. Therefore, it has been classified as a Variant of Uncertain Significance. Algorithms developed to predict the effect of sequence changes on RNA splicing suggest that this variant may disrupt the consensus splice site. An algorithm developed to predict the effect of missense changes on protein structure and function (PolyPhen-2) suggests that this variant is likely to be disruptive. ClinVar contains an entry for this variant (Variation ID: 2101134). This variant has not been reported in the literature in individuals affected with MSH3-related conditions. This variant is not present in population databases (gnomAD no frequency). This sequence change replaces leucine, which is neutral and non-polar, with valine, which is neutral and non-polar, at codon 808 of the MSH3 protein (p.Leu808Val).